The following is an entry in ClinVar:

NM_173630.4(RTTN):c.4066A>G (p.Ser1356Gly)

Gene: RTTN (rotatin; minus strand). Cytogenetic location: 18q22.2.
Variant type: single nucleotide variant.
Coding change: c.4066A>G on transcript NM_173630.4 (MANE Select); coding-DNA position 4066, A replaced by G.
Protein change: p.Ser1356Gly; replaces serine 1356 with glycine.
Molecular consequence: missense variant.
Genome position (GRCh38, 1-based): chr18:70,092,187, T>C on the plus strand (A>G on the coding strand, the complement: RTTN is on the minus strand). VCF-style: chr18-70092187-T-C. GRCh37 (hg19) VCF-style: chr18-67759423-T-C.
Other names: c.1330A>G, p.Ser444Gly (NM_001318520.2); short protein forms S444G, S1356G.
Identifiers: ClinVar variation 1505206 (VCV001505206.6), dbSNP rs2058867155, ClinGen allele CA402685610.

ClinVar aggregate classification (germline): Uncertain significance (1 of 4 stars; one submission).

Allele frequency attached by ClinVar (database versions not stated): gnomAD exomes below 0.00001.
gnomAD v4.1: 1 of 1,613,078 alleles (0.000062%); highest among the groups gnomAD compares: Non-Finnish European, 0.000085%; no homozygotes.

Submission:

Labcorp Genetics (formerly Invitae), Labcorp
Classification: Uncertain significance. Last evaluated: 2022-07-06. Review status: criteria provided, single submitter. Criteria: Invitae Variant Classification Sherloc (09022015). Collection method: clinical testing. Allele origin: germline.
Comment: Algorithms developed to predict the effect of missense changes on protein structure and function output the following: SIFT: "Tolerated"; PolyPhen-2: "Benign"; Align-GVGD: "Class C0". The glycine amino acid residue is found in multiple mammalian species, which suggests that this missense change does not adversely affect protein function. In summary, the available evidence is currently insufficient to determine the role of this variant in disease. Therefore, it has been classified as a Variant of Uncertain Significance. ClinVar contains an entry for this variant (Variation ID: 1505206). This sequence change replaces serine, which is neutral and polar, with glycine, which is neutral and non-polar, at codon 1356 of the RTTN protein (p.Ser1356Gly). This variant is not present in population databases (gnomAD no frequency). This variant has not been reported in the literature in individuals affected with RTTN-related conditions.